The following is an entry in ClinVar:

ClinVar aggregate classification (germline): Uncertain significance (1 of 4 stars; one submission).

Conditions:
Orofaciodigital syndrome type 14. Also called: Orofaciodigital syndrome xiv. Identifiers: Orphanet 434179, MedGen C4706604, MONDO:0014413, OMIM 615948.

gnomAD v4.1: 1 of 1,613,882 alleles (0.000062%); highest among the groups gnomAD compares: East Asian, 0.0022%; no homozygotes.

Submission:

Juno Genomics, Hangzhou Juno Genomics, Inc
Classification: Uncertain significance for Orofaciodigital syndrome type 14. Review status: criteria provided, single submitter. Criteria: ACMG Guidelines, 2015. Collection method: clinical testing. Allele origin: germline.
Comment: Absent from controls (or at extremely low frequency if recessive) in Genome Aggregation Database.;Multiple lines of computational evidence support a deleterious effect on the gene or gene product.

NM_001286577.2(C2CD3):c.3085T>A (p.Cys1029Ser)

Gene: C2CD3 (C2 domain containing 3 centriole elongation regulator; minus strand). Cytogenetic location: 11q13.4.
Variant type: single nucleotide variant.
Coding change: c.3085T>A on transcript NM_001286577.2 (MANE Select); coding-DNA position 3085, T replaced by A.
Protein change: p.Cys1029Ser; replaces cysteine 1029 with serine.
Molecular consequence: missense variant.
Genome position (GRCh38, 1-based): chr11:74,095,303, A>T on the plus strand (T>A on the coding strand, the complement: C2CD3 is on the minus strand). VCF-style: chr11-74095303-A-T. GRCh37 (hg19) VCF-style: chr11-73806348-A-T.
Other names: c.3085T>A, p.Cys1029Ser (NM_015531.6); short protein forms C1029S.
Identifiers: ClinVar variation 5004982 (VCV005004982.2).